The following is an entry in ClinVar:

NM_003919.3(SGCE):c.1196C>G (p.Pro399Arg)

Genes: CASD1 (CAS1 domain sialic acid O acetyltransferase 1; plus strand), SGCE (sarcoglycan epsilon; minus strand). Cytogenetic location: 7q21.3.
Variant type: single nucleotide variant.
Coding change: c.1196C>G on transcript NM_003919.3 (MANE Select); coding-DNA position 1196, C replaced by G.
Protein change: p.Pro399Arg; replaces proline 399 with arginine.
Molecular consequence: missense variant.
Genome position (GRCh38, 1-based): chr7:94,598,832, G>C on the plus strand (C>G on the coding strand, the complement: SGCE is on the minus strand). VCF-style: chr7-94598832-G-C. GRCh37 (hg19) VCF-style: chr7-94228144-G-C.
Other names: c.1169C>G, p.Pro390Arg (NM_001099400.2, NM_001346717.2); c.1196C>G, p.Pro399Arg (NM_001099401.2); c.1073C>G, p.Pro358Arg (NM_001301139.2); c.1304C>G, p.Pro435Arg (NM_001346713.2); c.1277C>G, p.Pro426Arg (NM_001346715.2); c.1109C>G, p.Pro370Arg (NM_001346719.2); c.923C>G, p.Pro308Arg (NM_001346720.2); c.1082C>G, p.Pro361Arg (NM_001362807.2); and 2 more; short protein forms P308R, P358R, P370R, P390R, P399R, P349R, P361R, P435R.
Identifiers: ClinVar variation 2848914 (VCV002848914.3), dbSNP rs17851923, ClinGen allele CA368228931.

ClinVar aggregate classification (germline): Uncertain significance (1 of 4 stars; one submission).

Conditions:
Myoclonic dystonia 11 (DYT11). Also called: Myoclonic dystonia; Dystonia 11; Dystonia, alcohol responsive; Hereditary essential myoclonus; SGCE Myoclonus-Dystonia; Myoclonus-Dystonia. Identifiers: Orphanet 36899, MedGen C1834570, MONDO:0008044, OMIM 159900.

Submission:

Labcorp Genetics (formerly Invitae), Labcorp
Classification: Uncertain significance for Myoclonic dystonia 11. Last evaluated: 2023-07-03. Review status: criteria provided, single submitter. Criteria: Invitae Variant Classification Sherloc (09022015). Collection method: clinical testing. Allele origin: germline.
Comment: This sequence change replaces proline, which is neutral and non-polar, with arginine, which is basic and polar, at codon 399 of the SGCE protein (p.Pro399Arg). This variant is not present in population databases (gnomAD no frequency). This variant has not been reported in the literature in individuals affected with SGCE-related conditions. Advanced modeling of protein sequence and biophysical properties (such as structural, functional, and spatial information, amino acid conservation, physicochemical variation, residue mobility, and thermodynamic stability) performed at Invitae indicates that this missense variant is not expected to disrupt SGCE protein function. In summary, the available evidence is currently insufficient to determine the role of this variant in disease. Therefore, it has been classified as a Variant of Uncertain Significance.